The following is an entry in ClinVar:

ClinVar aggregate classification (germline): Likely benign. Review status: criteria provided, single submitter (1 of 4 stars). 2 submissions from 2 submitters: Likely benign (1). 1 of the submissions does not count toward it. Last evaluated 2022-03-01.

Conditions:
EPPK1-related disorder. Also called: EPPK1-related condition.

Allele frequency attached by ClinVar (database versions not stated): ESP Exome Variant Server 0.00134; 1000 Genomes Project 30x 0.00172; 1000 Genomes Project 0.00180; gnomAD 0.00222; TOPMed 0.00280; ExAC 0.00366.
gnomAD v4.1: 4,792 of 1,559,000 alleles (0.31%); highest among the groups gnomAD compares: Non-Finnish European, 0.38%; 8 homozygotes.

Submissions (2):

CeGaT Center for Human Genetics Tuebingen
Classification: Likely benign. Last evaluated: 2022-03-01. Review status: criteria provided, single submitter. Criteria: CeGaT Center For Human Genetics Tuebingen Variant Classification Criteria Version 2. Collection method: clinical testing. Allele origin: germline. Affected: yes. Observed: 1 variant allele.
Comment: EPPK1: BP4, BP7

PreventionGenetics, part of Exact Sciences
Classification: Likely benign for EPPK1-related condition. Last evaluated: 2021-04-27. Review status: no assertion criteria provided. Collection method: clinical testing. Allele origin: germline. Not counted in ClinVar's aggregate classification.
Comment: This variant is classified as likely benign based on ACMG/AMP sequence variant interpretation guidelines (Richards et al. 2015 PMID: 25741868, with internal and published modifications).

NM_031308.4(EPPK1):c.3687C>T (p.Pro1229=)

Gene: EPPK1 (epiplakin 1; minus strand). Cytogenetic location: 8q24.3.
Variant type: single nucleotide variant.
Coding change: c.3687C>T on transcript NM_031308.4 (MANE Select); coding-DNA position 3687, C replaced by T.
Protein change: p.Pro1229=; no amino-acid change (proline 1229 retained).
Molecular consequence: synonymous variant.
Genome position (GRCh38, 1-based): chr8:143,869,567, G>A on the plus strand (C>T on the coding strand, the complement: EPPK1 is on the minus strand). VCF-style: chr8-143869567-G-A. GRCh37 (hg19) VCF-style: chr8-144943735-G-A.
Identifiers: ClinVar variation 2658935 (VCV002658935.25), dbSNP rs144925578, ClinGen allele CA4922717.